The following is an entry in ClinVar:

NM_004380.3(CREBBP):c.6186C>T (p.Ile2062=)

Gene: CREBBP (CREB binding lysine acetyltransferase; minus strand). Cytogenetic location: 16p13.3.
Variant type: single nucleotide variant.
Coding change: c.6186C>T on transcript NM_004380.3 (MANE Select); coding-DNA position 6186, C replaced by T.
Protein change: p.Ile2062=; no amino-acid change (isoleucine 2062 retained).
Molecular consequence: synonymous variant.
Genome position (GRCh38, 1-based): chr16:3,728,861, G>A on the plus strand (C>T on the coding strand, the complement: CREBBP is on the minus strand). VCF-style: chr16-3728861-G-A. GRCh37 (hg19) VCF-style: chr16-3778862-G-A.
Other names: c.6072C>T, p.Ile2024= (NM_001079846.1).
Identifiers: ClinVar variation 2068445 (VCV002068445.21), dbSNP rs780383901, ClinGen allele CA7869164.
Genomic context (GRCh38, chr16:3,728,861, plus strand): 5'-CTGCTGAGGGGAGCTGGGCGACTTCAGGGTCCGCAGCAGGTCTTGCAGAGCGCTGGGTGA[G>A]ATGCTCCTGGGTGGCTGCACGCTGGGCATCCGGGGCCCAGCCACGGCCGCCTGGGCCTGC-3'
Protein context (NP_004371.2, residues 2052-2072): RMPSVQPPRS[Ile2062=]SPSALQDLLR

ClinVar aggregate classification (germline): Likely benign. Review status: criteria provided, multiple submitters, no conflicts (2 of 4 stars). 2 submissions from 2 submitters: Likely benign (2). Last evaluated 2025-11-30.

Conditions:
Rubinstein-Taybi syndrome (RSTS). Identifiers: Orphanet 783, MedGen C0035934, MONDO:0019188.

Allele frequency attached by ClinVar (database versions not stated): gnomAD exomes 0.00001; ExAC 0.00002; gnomAD 0.00004; TOPMed 0.00006.
gnomAD v4.1: 17 of 1,612,720 alleles (0.0011%); highest among the groups gnomAD compares: Admixed American, 0.017%; 1 homozygote.

Submissions (2):

Labcorp Genetics (formerly Invitae), Labcorp
Classification: Likely benign for Rubinstein-Taybi syndrome. Last evaluated: 2025-11-30. Review status: criteria provided, single submitter. Criteria: Invitae Variant Classification Sherloc (09022015). Collection method: clinical testing. Allele origin: germline.

CeGaT Center for Human Genetics Tuebingen
Classification: Likely benign. Last evaluated: 2024-07-01. Review status: criteria provided, single submitter. Criteria: CeGaT Center For Human Genetics Tuebingen Variant Classification Criteria Version 2. Collection method: clinical testing. Allele origin: germline. Affected: yes. Observed: 1 variant allele.
Comment: CREBBP: BP4, BP7